The following is an entry in ClinVar:

ClinVar aggregate classification (germline): Uncertain significance (1 of 4 stars; one submission).

gnomAD v4.1: 1 of 1,614,070 alleles (0.000062%); highest among the groups gnomAD compares: East Asian, 0.0022%; no homozygotes.

Submission:

GeneDx
Classification: Uncertain significance. Last evaluated: 2024-04-03. Review status: criteria provided, single submitter. Criteria: GeneDx Variant Classification Process June 2021. Collection method: clinical testing. Allele origin: germline. Affected: yes.
Comment: Not observed at significant frequency in large population cohorts (gnomAD); In silico analysis supports a deleterious effect on splicing; Has not been previously published as pathogenic or benign to our knowledge

NM_006445.4(PRPF8):c.3657G>A (p.Glu1219=)

Gene: PRPF8 (pre-mRNA processing factor 8; minus strand). Cytogenetic location: 17p13.3.
Variant type: single nucleotide variant.
Coding change: c.3657G>A on transcript NM_006445.4 (MANE Select); coding-DNA position 3657, G replaced by A.
Protein change: p.Glu1219=; no amino-acid change (glutamic acid 1219 retained).
Molecular consequence: synonymous variant.
Genome position (GRCh38, 1-based): chr17:1,673,357, C>T on the plus strand (G>A on the coding strand, the complement: PRPF8 is on the minus strand). VCF-style: chr17-1673357-C-T. GRCh37 (hg19) VCF-style: chr17-1576651-C-T.
Identifiers: ClinVar variation 3371822 (VCV003371822.1).